The following is an entry in ClinVar:

ClinVar aggregate classification (germline): Uncertain significance (1 of 4 stars; one submission).

Allele frequency attached by ClinVar (database versions not stated): gnomAD exomes 0.00001; TOPMed below 0.00001; ExAC 0.00001.
gnomAD v4.1: 16 of 1,211,503 alleles (0.0013%); highest among the groups gnomAD compares: South Asian, 0.0035%; no homozygotes.

Submission:

Labcorp Genetics (formerly Invitae), Labcorp
Classification: Uncertain significance. Last evaluated: 2026-01-19. Review status: criteria provided, single submitter. Criteria: Invitae Variant Classification Sherloc (09022015). Collection method: clinical testing. Allele origin: germline.
Comment: This sequence change replaces arginine, which is basic and polar, with cysteine, which is neutral and slightly polar, at codon 46 of the RBM10 protein (p.Arg46Cys). This variant is present in population databases (rs781848934, gnomAD 0.01%), including at least one homozygous and/or hemizygous individual. This variant has not been reported in the literature in individuals affected with RBM10-related conditions. ClinVar contains an entry for this variant (Variation ID: 1976191). An algorithm developed to predict the effect of missense changes on protein structure and function (PolyPhen-2) suggests that this variant is likely to be disruptive. In summary, the available evidence is currently insufficient to determine the role of this variant in disease. Therefore, it has been classified as a Variant of Uncertain Significance.

NM_005676.5(RBM10):c.136C>T (p.Arg46Cys)

Gene: RBM10 (RNA binding motif protein 10; plus strand). Cytogenetic location: Xp11.3.
Variant type: single nucleotide variant.
Coding change: c.136C>T on transcript NM_005676.5 (MANE Select); coding-DNA position 136, C replaced by T.
Protein change: p.Arg46Cys; replaces arginine 46 with cysteine.
Molecular consequence: missense variant.
Genome position (GRCh38, 1-based): chrX:47,169,433, C>T. VCF-style: chrX-47169433-C-T. GRCh37 (hg19) VCF-style: chrX-47028832-C-T.
Other names: c.136C>T, p.Arg46Cys (NM_001204466.2, NM_001204467.2, NM_152856.3); c.331C>T, p.Arg111Cys (NM_001204468.2); short protein forms R111C, R46C.
Identifiers: ClinVar variation 1976191 (VCV001976191.5), dbSNP rs781848934, ClinGen allele CA10395049.